The following is an entry in ClinVar:

NM_001868.4(CPA1):c.106G>T (p.Val36Leu)

Gene: CPA1 (carboxypeptidase A1; plus strand). Cytogenetic location: 7q32.2.
Variant type: single nucleotide variant.
Coding change: c.106G>T on transcript NM_001868.4 (MANE Select); coding-DNA position 106, G replaced by T.
Protein change: p.Val36Leu; replaces valine 36 with leucine.
Molecular consequence: missense variant.
Genome position (GRCh38, 1-based): chr7:130,381,138, G>T. VCF-style: chr7-130381138-G-T. GRCh37 (hg19) VCF-style: chr7-130020979-G-T.
Other names: short protein forms V36L.
Identifiers: ClinVar variation 3835757 (VCV003835757.1).

ClinVar aggregate classification (germline): Uncertain significance (1 of 4 stars; one submission).

Conditions:
Hereditary pancreatitis (PCTT). Also called: PRSS1-Related Hereditary Pancreatitis; Hereditary chronic pancreatitis. Identifiers: Orphanet 676, MedGen C0238339, MONDO:0008185, OMIM 167800.

Submission:

Ambry Genetics
Classification: Uncertain significance for Hereditary pancreatitis. Last evaluated: 2025-01-15. Review status: criteria provided, single submitter. Criteria: Ambry Variant Classification Scheme 2023. Collection method: clinical testing. Allele origin: germline.
Comment: The p.V36L variant (also known as c.106G>T), located in coding exon 2 of the CPA1 gene, results from a G to T substitution at nucleotide position 106. The valine at codon 36 is replaced by leucine, an amino acid with highly similar properties. This amino acid position is conserved. In addition, this alteration is predicted to be tolerated by in silico analysis. Based on the available evidence, the clinical significance of this variant remains unclear.